The following is an entry in ClinVar:

ClinVar aggregate classification (germline): Likely pathogenic. Review status: criteria provided, multiple submitters, no conflicts (2 of 4 stars). 2 submissions from 2 submitters: Likely pathogenic (2). Last evaluated 2024-04-01.

Conditions:
8q24.3 microdeletion syndrome. Also called: CHROMOSOME 8q24.3 DELETION SYNDROME; Verheij syndrome. Identifiers: Orphanet 508488, MedGen C3810023, MONDO:0014263, OMIM 615583.

Submissions (2):

CeGaT Center for Human Genetics Tuebingen
Classification: Likely pathogenic. Last evaluated: 2024-04-01. Review status: criteria provided, single submitter. Criteria: CeGaT Center For Human Genetics Tuebingen Variant Classification Criteria Version 2. Collection method: clinical testing. Allele origin: germline. Affected: yes. Observed: 1 variant allele.
Comment: PUF60: PM2, PS2:Moderate, PP2, PP3

Genomic Medicine Center of Excellence, King Faisal Specialist Hospital and Research Centre
Classification: Likely pathogenic for 8q24.3 microdeletion syndrome. Last evaluated: 2024-03-25. Review status: criteria provided, single submitter. Criteria: ACMG Guidelines, 2015. Collection method: clinical testing. Allele origin: germline.

NM_078480.3(PUF60):c.896T>A (p.Val299Glu)

Gene: PUF60 (poly(U) binding splicing factor 60; minus strand). Cytogenetic location: 8q24.3.
Variant type: single nucleotide variant.
Coding change: c.896T>A on transcript NM_078480.3 (MANE Select); coding-DNA position 896, T replaced by A.
Protein change: p.Val299Glu; replaces valine 299 with glutamic acid.
Molecular consequence: missense variant.
Genome position (GRCh38, 1-based): chr8:143,817,704, A>T on the plus strand (T>A on the coding strand, the complement: PUF60 is on the minus strand). VCF-style: chr8-143817704-A-T. GRCh37 (hg19) VCF-style: chr8-144899874-A-T.
Other names: c.767T>A, p.Val256Glu (NM_001136033.3); c.842T>A, p.Val281Glu (NM_001271096.2); c.758T>A, p.Val253Glu (NM_001271097.2); c.893T>A, p.Val298Glu (NM_001271098.2); c.809T>A, p.Val270Glu (NM_001271099.2); c.716T>A, p.Val239Glu (NM_001271100.2); c.1007T>A, p.Val336Glu (NM_001362895.2, NM_001362896.2); c.956T>A, p.Val319Glu (NM_001362897.2); and 1 more; short protein forms V239E, V253E, V256E, V270E, V281E, V282E, V298E, V299E.
Identifiers: ClinVar variation 3064988 (VCV003064988.22), dbSNP rs2538857317, ClinGen allele CA372489490.